The following is an entry in ClinVar:

NM_032043.3(BRIP1):c.1750A>G (p.Thr584Ala)

Gene: BRIP1 (BRCA1 interacting DNA helicase 1; minus strand). Cytogenetic location: 17q23.2.
Variant type: single nucleotide variant.
Coding change: c.1750A>G on transcript NM_032043.3 (MANE Select); coding-DNA position 1750, A replaced by G.
Protein change: p.Thr584Ala; replaces threonine 584 with alanine.
Molecular consequence: missense variant.
Genome position (GRCh38, 1-based): chr17:61,780,884, T>C on the plus strand (A>G on the coding strand, the complement: BRIP1 is on the minus strand). VCF-style: chr17-61780884-T-C. GRCh37 (hg19) VCF-style: chr17-59858245-T-C.
Other names: short protein forms T584A.
Identifiers: ClinVar variation 3228094 (VCV003228094.1), dbSNP rs2145092199, ClinGen allele CA400480332.

ClinVar aggregate classification (germline): Uncertain significance (1 of 4 stars; one submission).

Conditions:
Hereditary cancer-predisposing syndrome. Also called: Neoplastic Syndromes, Hereditary; Tumor predisposition; Hereditary neoplastic syndrome; Hereditary Cancer Syndrome. Identifiers: Orphanet 140162, MedGen C0027672, MeSH D009386, MONDO:0015356.

Submission:

Ambry Genetics
Classification: Uncertain significance for Hereditary cancer-predisposing syndrome. Last evaluated: 2023-12-10. Review status: criteria provided, single submitter. Criteria: Ambry Variant Classification Scheme 2023. Collection method: clinical testing. Allele origin: germline.
Comment: The p.T584A variant (also known as c.1750A>G), located in coding exon 11 of the BRIP1 gene, results from an A to G substitution at nucleotide position 1750. The threonine at codon 584 is replaced by alanine, an amino acid with similar properties. This amino acid position is conserved. In addition, this alteration is predicted to be tolerated by in silico analysis. Since supporting evidence is limited at this time, the clinical significance of this alteration remains unclear.